The following is an entry in ClinVar:

NM_014425.5(INVS):c.2402G>A (p.Gly801Glu)

Gene: INVS (inversin; plus strand). Cytogenetic location: 9q31.1.
Variant type: single nucleotide variant.
Coding change: c.2402G>A on transcript NM_014425.5 (MANE Select); coding-DNA position 2402, G replaced by A.
Protein change: p.Gly801Glu; replaces glycine 801 with glutamic acid.
Molecular consequence: missense variant. On other transcripts: non-coding transcript variant (1).
Genome position (GRCh38, 1-based): chr9:100,292,659, G>A. VCF-style: chr9-100292659-G-A. GRCh37 (hg19) VCF-style: chr9-103054941-G-A.
Other names: c.2114G>A, p.Gly705Glu (NM_001318381.2); c.1424G>A, p.Gly475Glu (NM_001318382.2); short protein forms G801E, G475E, G705E.
Identifiers: ClinVar variation 167195 (VCV000167195.27), dbSNP rs76868679, ClinGen allele CA180129.

ClinVar aggregate classification (germline): Benign/Likely benign. Review status: criteria provided, multiple submitters, no conflicts (2 of 4 stars). 9 submissions from 9 submitters: Benign (8); Likely benign (1). Last evaluated 2026-02-02.

Conditions:
Kidney disorder. Also called: Nephropathy; Kidney disease; Kidney Diseases; renal disorder; renal disease. Identifiers: MedGen C0022658, MONDO:0005240, HP:0000112.
Nephronophthisis. Also called: Juvenile Nephronophthisis. Identifiers: Orphanet 655, MedGen C0687120, MONDO:0019005, HP:0000090.
Infantile nephronophthisis (NPHP2). Also called: Nephronophthisis 2; Nephronophthisis 2, infantile. Identifiers: Orphanet 655, Orphanet 93591, MedGen C1865872, MONDO:0011190, OMIM 602088.

Allele frequency attached by ClinVar (database versions not stated): gnomAD 0.02733 and 0.02854; ESP Exome Variant Server 0.02999; gnomAD exomes 0.02754 and 0.03873; 1000 Genomes Project 30x 0.01655; 1000 Genomes Project 0.01657; ExAC 0.02763; TOPMed 0.02928.
gnomAD v4.1: 60,650 of 1,614,144 alleles (3.8%); highest among the groups gnomAD compares: Middle Eastern, 6.1%; 1,307 homozygotes.

Submissions (9):

Labcorp Genetics (formerly Invitae), Labcorp
Classification: Benign for Nephronophthisis. Last evaluated: 2026-02-02. Review status: criteria provided, single submitter. Criteria: Invitae Variant Classification Sherloc (09022015). Collection method: clinical testing. Allele origin: germline.

Mayo Clinic Laboratories, Mayo Clinic
Classification: Benign. Last evaluated: 2025-03-22. Review status: criteria provided, single submitter. Criteria: ACMG Guidelines, 2015. Collection method: clinical testing. Allele origin: germline. Observed: 44 variant alleles.
Comment: BS1, BP4

Blueprint Genetics
Classification: Likely benign. Last evaluated: 2024-11-27. Review status: criteria provided, single submitter. Criteria: ACMG Guidelines, 2015. Collection method: clinical testing. Allele origin: germline.

GeneDx
Classification: Benign. Last evaluated: 2020-05-26. Review status: criteria provided, single submitter. Criteria: GeneDx Variant Classification Process June 2021. Collection method: clinical testing. Allele origin: germline. Affected: yes.

Genome Diagnostics Laboratory, The Hospital for Sick Children
Classification: Benign for Kidney disorder. Last evaluated: 2019-03-01. Review status: criteria provided, single submitter. Criteria: ACMG Guidelines, 2015. Collection method: clinical testing. Allele origin: germline.

Illumina Laboratory Services, Illumina
Classification: Benign for Infantile nephronophthisis. Last evaluated: 2018-01-12. Review status: criteria provided, single submitter. Criteria: ICSL Variant Classification Criteria 13 December 2019. Collection method: clinical testing. Allele origin: germline.
Comment: This variant was observed in the ICSL laboratory as part of a predisposition screen in an ostensibly healthy population. It had not been previously curated by ICSL or reported in the Human Gene Mutation Database (HGMD: prior to June 1st, 2018), and was therefore a candidate for classification through an automated scoring system. Utilizing variant allele frequency, disease prevalence and penetrance estimates, and inheritance mode, an automated score was calculated to assess if this variant is too frequent to cause the disease. Based on the score and internal cut-off values, a variant classified as benign is not then subjected to further curation. The score for this variant resulted in a classification of benign for this disease.

Eurofins Ntd Llc (ga)
Classification: Benign. Last evaluated: 2014-04-02. Review status: criteria provided, single submitter. Criteria: EGL Classification Definitions 2015. Collection method: clinical testing. Allele origin: germline. Observed: 2 variant alleles, 2 heterozygotes.

Breakthrough Genomics
Classification: Benign. Review status: criteria provided, single submitter. Criteria: ACMG Guidelines, 2015. Collection method: not provided. Allele origin: germline. Inheritance: Autosomal recessive inheritance. Affected: yes.

PreventionGenetics, part of Exact Sciences
Classification: Benign. Review status: criteria provided, single submitter. Criteria: ACMG Guidelines, 2015. Collection method: clinical testing. Allele origin: germline.